The following is an entry in ClinVar:

NM_001348323.3(TRIP12):c.74C>A (p.Pro25Gln)

Gene: TRIP12 (thyroid hormone receptor interactor 12; minus strand). Cytogenetic location: 2q36.3.
Variant type: single nucleotide variant.
Coding change: c.74C>A on transcript NM_001348323.3 (MANE Select); coding-DNA position 74, C replaced by A.
Protein change: p.Pro25Gln; replaces proline 25 with glutamine.
Molecular consequence: missense variant.
Genome position (GRCh38, 1-based): chr2:229,880,006, G>T on the plus strand (C>A on the coding strand, the complement: TRIP12 is on the minus strand). VCF-style: chr2-229880006-G-T. GRCh37 (hg19) VCF-style: chr2-230744722-G-T.
Other names: c.74C>A, p.Pro25Gln (NM_001348321.1, NM_001348322.1, NM_001348324.2 and 22 more transcripts); short protein forms P25Q.
Identifiers: ClinVar variation 5018329 (VCV005018329.1).

ClinVar aggregate classification (germline): Uncertain significance (1 of 4 stars; one submission).

gnomAD v4.1: 1 of 1,614,038 alleles (0.000062%); highest among the groups gnomAD compares: Non-Finnish European, 0.000085%; no homozygotes.

Submission:

GeneDx
Classification: Uncertain significance. Last evaluated: 2026-04-08. Review status: criteria provided, single submitter. Criteria: GeneDx Variant Classification Process June 2021. Collection method: clinical testing. Allele origin: germline.
Comment: Not observed at significant frequency in large population cohorts (gnomAD); In silico analysis supports that this missense variant has a deleterious effect on protein structure/function; Has not been previously published as pathogenic or benign to our knowledge